The following is an entry in ClinVar:

ClinVar aggregate classification (germline): Uncertain significance (1 of 4 stars; one submission).

Conditions:
Autosomal recessive ataxia, Beauce type. Also called: SYNE1-Related Autosomal Recessive Cerebellar Ataxia; Spinocerebellar ataxia, autosomal recessive 8; ATAXIA, RECESSIVE, OF BEAUCE; SYNE1 Deficiency. Identifiers: Orphanet 88644, MedGen C1853116, MONDO:0012549, OMIM 610743.
Emery-Dreifuss muscular dystrophy 4, autosomal dominant (EDMD4). Also called: EMERY-DREIFUSS MUSCULAR DYSTROPHY 4 WITH VARIABLE FEATURES. Identifiers: Orphanet 261, MedGen C2751807, MONDO:0013071, OMIM 612998.

Allele frequency attached by ClinVar (database versions not stated): gnomAD exomes below 0.00001 and 0.00001; TOPMed below 0.00001; ExAC 0.00001; gnomAD 0.00001.
gnomAD v4.1: 3 of 1,613,910 alleles (0.00019%); highest among the groups gnomAD compares: Admixed American, 0.0017%; no homozygotes.

Submission:

Labcorp Genetics (formerly Invitae), Labcorp
Classification: Uncertain significance for Emery-Dreifuss muscular dystrophy 4, autosomal dominant; Autosomal recessive ataxia, Beauce type. Last evaluated: 2022-04-08. Review status: criteria provided, single submitter. Criteria: Invitae Variant Classification Sherloc (09022015). Collection method: clinical testing. Allele origin: germline.
Comment: Algorithms developed to predict the effect of missense changes on protein structure and function output the following: SIFT: "Deleterious"; PolyPhen-2: "Benign"; Align-GVGD: "Class C0". The aspartic acid amino acid residue is found in multiple mammalian species, which suggests that this missense change does not adversely affect protein function. In summary, the available evidence is currently insufficient to determine the role of this variant in disease. Therefore, it has been classified as a Variant of Uncertain Significance. This variant has not been reported in the literature in individuals affected with SYNE1-related conditions. This variant is present in population databases (rs745616824, gnomAD 0.003%). This sequence change replaces glutamic acid, which is acidic and polar, with aspartic acid, which is acidic and polar, at codon 1261 of the SYNE1 protein (p.Glu1261Asp).

NM_182961.4(SYNE1):c.3762A>T (p.Glu1254Asp)

Gene: SYNE1 (spectrin repeat containing nuclear envelope protein 1; minus strand). Cytogenetic location: 6q25.2.
Variant type: single nucleotide variant.
Coding change: c.3762A>T on transcript NM_182961.4 (MANE Select); coding-DNA position 3762, A replaced by T.
Protein change: p.Glu1254Asp; replaces glutamic acid 1254 with aspartic acid.
Molecular consequence: missense variant.
Genome position (GRCh38, 1-based): chr6:152,444,486, T>A on the plus strand (A>T on the coding strand, the complement: SYNE1 is on the minus strand). VCF-style: chr6-152444486-T-A. GRCh37 (hg19) VCF-style: chr6-152765621-T-A.
Other names: c.3783A>T, p.Glu1261Asp (NM_033071.5); short protein forms E1254D, E1261D.
Identifiers: ClinVar variation 1471382 (VCV001471382.6), dbSNP rs745616824, ClinGen allele CA4058754.